The following is an entry in ClinVar:

NM_001849.4(COL6A2):c.927+5G>A

Gene: COL6A2 (collagen type VI alpha 2 chain; plus strand). Cytogenetic location: 21q22.3.
Variant type: single nucleotide variant.
Coding change: c.927+5G>A on transcript NM_001849.4 (MANE Select); 5 bases into the intron after coding-DNA position 927, G replaced by A.
Molecular consequence: intron variant.
Genome position (GRCh38, 1-based): chr21:46,116,408, G>A. VCF-style: chr21-46116408-G-A. GRCh37 (hg19) VCF-style: chr21-47536322-G-A.
Other names: c.927+5G>A (NM_058175.3, NM_058174.3).
Identifiers: ClinVar variation 2138407 (VCV002138407.4), dbSNP rs2516996260, ClinGen allele CA2580099018.

ClinVar aggregate classification (germline): Likely pathogenic (1 of 4 stars; one submission).

Conditions:
Bethlem myopathy 1A. Also called: Bethlem Muscular Dystrophy; Bethlem myopathy 1; MYOPATHY, BENIGN CONGENITAL, WITH CONTRACTURES. Identifiers: Orphanet 610, MedGen CN029274, MONDO:0024530, OMIM 158810.

Submission:

Labcorp Genetics (formerly Invitae), Labcorp
Classification: Likely pathogenic for Bethlem myopathy 1A. Last evaluated: 2022-05-31. Review status: criteria provided, single submitter. Criteria: Invitae Variant Classification Sherloc (09022015). Collection method: clinical testing. Allele origin: germline.
Comment: This sequence change falls in intron 8 of the COL6A2 gene. It does not directly change the encoded amino acid sequence of the COL6A2 protein. RNA analysis indicates that this variant induces altered splicing and may result in an absent or disrupted protein product. This variant is not present in population databases (gnomAD no frequency). This variant has been observed in individual(s) with Ullrich congenital muscular dystrophy (PMID: 19309692; Invitae). Variants that disrupt the consensus splice site are a relatively common cause of aberrant splicing (PMID: 17576681, 9536098). Studies have shown that this variant results in activation of a cryptic splice site and introduces a premature termination codon (PMID: 19309692). The resulting mRNA is expected to undergo nonsense-mediated decay. In summary, the currently available evidence indicates that the variant is pathogenic, but additional data are needed to prove that conclusively. Therefore, this variant has been classified as Likely Pathogenic.

Literature cited by the submitters: PubMed 19309692; PubMed 17576681; PubMed 9536098.